The following is an entry in ClinVar:

NM_080425.4(GNAS):c.484A>G (p.Met162Val)

Gene: GNAS (GNAS complex locus; plus strand). Cytogenetic location: 20q13.32.
Variant type: single nucleotide variant.
Coding change: c.484A>G on transcript NM_080425.4 (MANE Plus Clinical); coding-DNA position 484, A replaced by G.
Protein change: p.Met162Val; replaces methionine 162 with valine.
Molecular consequence: missense variant. On other transcripts: synonymous variant (2), intron variant (3).
Genome position (GRCh38, 1-based): chr20:58,853,749, A>G. VCF-style: chr20-58853749-A-G. GRCh37 (hg19) VCF-style: chr20-57428804-A-G.
Other names: c.297A>G, p.Leu99= (NM_001077490.3, NM_001309883.1); c.484A>G, p.Met162Val (NM_001410913.1); c.*42+12863A>G (NM_016592.5); c.43+12863A>G (NM_001410912.1); c.-39+11874A>G (NM_001309861.2); short protein forms M162V.
Identifiers: ClinVar variation 134491 (VCV000134491.44), dbSNP rs138731520, ClinGen allele CA159958.

ClinVar aggregate classification (germline): Benign/Likely benign. Review status: criteria provided, multiple submitters, no conflicts (2 of 4 stars). 9 submissions from 9 submitters: Benign (3); Likely benign (1). 5 of the submissions do not count toward it. Last evaluated 2026-09-01.

Conditions:
McCune-Albright syndrome (MAS). Also called: Albright's disease; ALBRIGHT SYNDROME; McCune-Albright syndrome, somatic, mosaic; Albright's Syndrome; Fibrous Dysplasia / McCune-Albright Syndrome. Identifiers: Orphanet 562, MedGen C0242292, MONDO:0018919, OMIM 174800.
Pseudohypoparathyroidism type 1B (PHP1B). Also called: PHP IB; Pseudohypoparathyroidism Type IB; Pseudohypoparathyroidism Ib (PHP-Ib). Identifiers: Orphanet 94089, MedGen C1864100, MONDO:0011301, OMIM 603233.
Pseudopseudohypoparathyroidism (PPHP). Also called: Pseudopseudohypoparathyroidism (PPHP); ALBRIGHT HEREDITARY OSTEODYSTROPHY WITHOUT MULTIPLE HORMONE RESISTANCE. Identifiers: Orphanet 79445, MedGen C0033835, MONDO:0012912, OMIM 612463.
Progressive osseous heteroplasia (POH). Also called: Osseus Heteroplasia, Progressive; Osteoma cutis; Progressive Osseus Heteroplasia (POH); ECTOPIC OSSIFICATION, FAMILIAL. Identifiers: Orphanet 2762, MedGen C0334041, MONDO:0008153, OMIM 166350, HP:0025027.
ACTH-independent macronodular adrenal hyperplasia 1 (AIMAH1). Also called: ACTH-INDEPENDENT MACRONODULAR ADRENOCORTICAL HYPERPLASIA; ADRENOCORTICOTROPIC HORMONE-INDEPENDENT MACRONODULAR ADRENAL HYPERPLASIA; ACTH-independent macronodular adrenal hyperplasia, somatic; CORTICOTROPIN-INDEPENDENT MACRONODULAR ADRENAL HYPERPLASIA; CUSHING SYNDROME, ADRENAL, DUE TO AIMAH. Identifiers: MedGen C1857451, MONDO:0020735, OMIM 219080.
Pseudohypoparathyroidism type I A (PHP1A). Also called: Pseudohypoparathyroidism Type IA; PHP IA; Pseudohypoparathyroidism type 1A; ALBRIGHT HEREDITARY OSTEODYSTROPHY WITH MULTIPLE HORMONE RESISTANCE; Pseudohypoparathyroidism Ia (PHP-Ia). Identifiers: Orphanet 79443, MedGen C3494506, MONDO:0007078, OMIM 103580.
Pseudohypoparathyroidism type 1C (PHP1C). Also called: PHP IC; Pseudohypoparathyroidism Ic (PHP-Ic); PSEUDOHYPOPARATHYROIDISM, TYPE IC. Identifiers: Orphanet 79444, MedGen C2932716, MONDO:0012911, OMIM 612462.
Pituitary adenoma 3, multiple types. Also called: PITUITARY ADENOMA 3, ACTH-SECRETING, SOMATIC; PITUITARY ADENOMA 3, GROWTH HORMONE-SECRETING, SOMATIC. Identifiers: MedGen C4540135, MONDO:0054665, OMIM 617686.

Allele frequency attached by ClinVar (database versions not stated): TOPMed 0.00186; ESP Exome Variant Server 0.00188; gnomAD 0.00192; 1000 Genomes Project 0.00200; 1000 Genomes Project 30x 0.00203.
gnomAD v4.1: 4,370 of 1,613,780 alleles (0.27%); highest among the groups gnomAD compares: South Asian, 0.7%; 16 homozygotes.

Submissions (9):

CeGaT Center for Human Genetics Tuebingen
Classification: Benign. Last evaluated: 2026-09-01. Review status: criteria provided, single submitter. Criteria: CeGaT Center For Human Genetics Tuebingen Variant Classification Criteria Version 2. Collection method: clinical testing. Allele origin: germline. Affected: yes. Observed: 28 variant alleles.
Comment: GNAS: BS1, BS2

Labcorp Genetics (formerly Invitae), Labcorp
Classification: Benign. Last evaluated: 2023-06-22. Review status: criteria provided, single submitter. Criteria: Invitae Variant Classification Sherloc (09022015). Collection method: clinical testing. Allele origin: germline.

Fulgent Genetics
Classification: Likely benign for Pseudohypoparathyroidism type I A; Progressive osseous heteroplasia; McCune-Albright syndrome; ACTH-independent macronodular adrenal hyperplasia 1; Pseudohypoparathyroidism type 1B; Pseudohypoparathyroidism type 1C; Pseudopseudohypoparathyroidism; Pituitary adenoma 3, multiple types. Last evaluated: 2021-12-22. Review status: criteria provided, single submitter. Criteria: ACMG Guidelines, 2015. Collection method: clinical testing. Allele origin: unknown.

Breakthrough Genomics
Classification: Benign. Review status: criteria provided, single submitter. Criteria: ACMG Guidelines, 2015. Collection method: not provided. Allele origin: germline. Inheritance: Autosomal dominant inheritance. Affected: yes.

ITMI
No classification provided. Condition: AllHighlyPenetrant. Last evaluated: 2013-09-19. Review status: no classification provided. Collection method: reference population. Allele origin: germline. Not counted in ClinVar's aggregate classification.
Comment: Please see associated publication for description of ethnicities

Clinical Genetics DNA and cytogenetics Diagnostics Lab, Erasmus MC, Erasmus Medical Center
Classification: Likely benign. Review status: no assertion criteria provided. Collection method: clinical testing. Allele origin: germline. Affected: yes. Study: VKGL Data-share Consensus. Not counted in ClinVar's aggregate classification.

Clinical Genetics, Academic Medical Center
Classification: Likely benign. Review status: no assertion criteria provided. Collection method: clinical testing. Allele origin: germline. Affected: yes. Study: VKGL Data-share Consensus. Not counted in ClinVar's aggregate classification.

Diagnostic Laboratory, Department of Genetics, University Medical Center Groningen
Classification: Likely benign. Review status: no assertion criteria provided. Collection method: clinical testing. Allele origin: germline. Affected: yes. Study: VKGL Data-share Consensus. Not counted in ClinVar's aggregate classification.

Laboratory of Diagnostic Genome Analysis, Leiden University Medical Center (LUMC)
Classification: Likely benign. Review status: no assertion criteria provided. Collection method: clinical testing. Allele origin: germline. Affected: yes. Study: VKGL Data-share Consensus. Not counted in ClinVar's aggregate classification.

Literature cited by the submitters: PubMed 24728327 (cited by ITMI).